The following is an entry in ClinVar:

NM_001805.4(CEBPE):c.-17G>A

Gene: CEBPE (CCAAT enhancer binding protein epsilon; minus strand). Cytogenetic location: 14q11.2.
Variant type: single nucleotide variant.
Coding change: c.-17G>A on transcript NM_001805.4 (MANE Select); 17 bases upstream of the start codon, G replaced by A.
Molecular consequence: 5 prime UTR variant.
Genome position (GRCh38, 1-based): chr14:23,119,108, C>T on the plus strand (G>A on the coding strand, the complement: CEBPE is on the minus strand). VCF-style: chr14-23119108-C-T. GRCh37 (hg19) VCF-style: chr14-23588317-C-T.
Identifiers: ClinVar variation 4848782 (VCV004848782.1).

ClinVar aggregate classification (germline): Uncertain significance (1 of 4 stars; one submission).

gnomAD v4.1: 119 of 1,555,688 alleles (0.0076%); highest among the groups gnomAD compares: African/African-American, 0.097%; no homozygotes.

Submission:

Women's Health and Genetics/Laboratory Corporation of America, LabCorp
Classification: Uncertain significance. Last evaluated: 2026-04-07. Review status: criteria provided, single submitter. Criteria: LabCorp Variant Classification Summary - May 2015. Collection method: clinical testing. Allele origin: germline.
Comment: Variant summary: CEBPE c.-17G>A is located in the untranslated mRNA region upstream of the initiation codon. The variant allele was found at a frequency of 0.00012 in 186564 control chromosomes. This frequency is not significantly higher than estimated for disease-causing variants in CEBPE, allowing no conclusion about variant significance. To our knowledge, no occurrence of c.-17G>A in individuals affected with CEBPE-related conditions and no experimental evidence demonstrating its impact on protein function have been reported. No submitters have cited clinical-significance assessments for this variant to ClinVar. Based on the evidence outlined above, the variant was classified as uncertain significance.